The following is an entry in ClinVar:

ClinVar aggregate classification (germline): Conflicting classifications of pathogenicity. Review status: criteria provided, conflicting classifications (1 of 4 stars). 2 submissions from 2 submitters: Uncertain significance (1); Likely benign (1). Last evaluated 2024-12-18.

Conditions:
Hereditary cancer-predisposing syndrome. Also called: Hereditary Cancer Syndrome; Neoplastic Syndromes, Hereditary; Tumor predisposition; Hereditary neoplastic syndrome. Identifiers: Orphanet 140162, MedGen C0027672, MeSH D009386, MONDO:0015356.

Allele frequency attached by ClinVar (database versions not stated): gnomAD exomes below 0.00001; gnomAD 0.00001; TOPMed 0.00001.
gnomAD v4.1: 3 of 1,609,332 alleles (0.00019%); highest among the groups gnomAD compares: East Asian, 0.0022%; no homozygotes.

Submissions (2):

Ambry Genetics
Classification: Likely benign for Hereditary cancer-predisposing syndrome. Last evaluated: 2024-12-18. Review status: criteria provided, single submitter. Criteria: Ambry Variant Classification Scheme 2023. Collection method: clinical testing. Allele origin: germline.

Labcorp Genetics (formerly Invitae), Labcorp
Classification: Uncertain significance. Last evaluated: 2021-11-29. Review status: criteria provided, single submitter. Criteria: Invitae Variant Classification Sherloc (09022015). Collection method: clinical testing. Allele origin: germline.
Comment: This sequence change replaces alanine, which is neutral and non-polar, with threonine, which is neutral and polar, at codon 1751 of the POLE protein (p.Ala1751Thr). The frequency data for this variant in the population databases is considered unreliable, as metrics indicate poor data quality at this position in the gnomAD database. This variant has not been reported in the literature in individuals affected with POLE-related conditions. Algorithms developed to predict the effect of missense changes on protein structure and function are either unavailable or do not agree on the potential impact of this missense change (SIFT: "Deleterious"; PolyPhen-2: "Benign"; Align-GVGD: "Class C0"). In summary, the available evidence is currently insufficient to determine the role of this variant in disease. Therefore, it has been classified as a Variant of Uncertain Significance.

NM_006231.4(POLE):c.5251G>A (p.Ala1751Thr)

Gene: POLE (DNA polymerase epsilon, catalytic subunit; minus strand). Cytogenetic location: 12q24.33.
Variant type: single nucleotide variant.
Coding change: c.5251G>A on transcript NM_006231.4 (MANE Select); coding-DNA position 5251, G replaced by A.
Protein change: p.Ala1751Thr; replaces alanine 1751 with threonine.
Molecular consequence: missense variant.
Genome position (GRCh38, 1-based): chr12:132,641,774, C>T on the plus strand (G>A on the coding strand, the complement: POLE is on the minus strand). VCF-style: chr12-132641774-C-T. GRCh37 (hg19) VCF-style: chr12-133218360-C-T.
Other names: short protein forms A1751T.
Identifiers: ClinVar variation 1746369 (VCV001746369.8), dbSNP rs1399070077, ClinGen allele CA387376324.